The following is an entry in ClinVar:

ClinVar aggregate classification (germline): Uncertain significance. Review status: criteria provided, multiple submitters, no conflicts (2 of 4 stars). 2 submissions from 2 submitters: Uncertain significance (2). Last evaluated 2025-11-20.

Conditions:
Anterior segment dysgenesis. Also called: Ocular anterior segment dysgenesis. Identifiers: Orphanet 88632, MedGen C1862839, MONDO:0019503, HP:0007700.
Congenital primary aphakia. Also called: Anterior segment dysgenesis 2, multiple subtypes; ANTERIOR SEGMENT DYSGENESIS 2. Identifiers: Orphanet 83461, MedGen C1853230, MONDO:0012456, OMIM 610256.
Cardiovascular phenotype. Identifiers: MedGen CN230736.

Submissions (2):

Labcorp Genetics (formerly Invitae), Labcorp
Classification: Uncertain significance for Anterior segment dysgenesis; Congenital primary aphakia. Last evaluated: 2025-11-20. Review status: criteria provided, single submitter. Criteria: Invitae Variant Classification Sherloc (09022015). Collection method: clinical testing. Allele origin: germline.
Comment: This sequence change replaces proline, which is neutral and non-polar, with threonine, which is neutral and polar, at codon 235 of the FOXE3 protein (p.Pro235Thr). This variant is not present in population databases (gnomAD no frequency). This variant has not been reported in the literature in individuals affected with FOXE3-related conditions. ClinVar contains an entry for this variant (Variation ID: 2927311). Invitae Evidence Modeling of protein sequence and biophysical properties (such as structural, functional, and spatial information, amino acid conservation, physicochemical variation, residue mobility, and thermodynamic stability) indicates that this missense variant is not expected to disrupt FOXE3 protein function with a negative predictive value of 95%. In summary, the available evidence is currently insufficient to determine the role of this variant in disease. Therefore, it has been classified as a Variant of Uncertain Significance.

Ambry Genetics
Classification: Uncertain significance for Cardiovascular phenotype. Last evaluated: 2025-11-06. Review status: criteria provided, single submitter. Criteria: Ambry Variant Classification Scheme 2023. Collection method: clinical testing. Allele origin: germline.

NM_012186.3(FOXE3):c.703C>A (p.Pro235Thr)

Genes: FOXE3 (forkhead box E3; plus strand), LINC01389 (long independently transcribed non-coding RNA 1389; minus strand). Cytogenetic location: 1p33.
Variant type: single nucleotide variant.
Coding change: c.703C>A on transcript NM_012186.3 (MANE Select); coding-DNA position 703, C replaced by A.
Protein change: p.Pro235Thr; replaces proline 235 with threonine.
Molecular consequence: missense variant.
Genome position (GRCh38, 1-based): chr1:47,417,018, C>A. VCF-style: chr1-47417018-C-A. GRCh37 (hg19) VCF-style: chr1-47882690-C-A.
Other names: c.703C>A (NM_012186.2); short protein forms P235T.
Identifiers: ClinVar variation 2927311 (VCV002927311.4), dbSNP rs112802909, ClinGen allele CA340250540.
Genomic context (GRCh38, chr1:47,417,018, plus strand): 5'-CGTCTGTTCAGCGTCGACAGCCTGGTGAACCTGCAGCCGGAGCTAGCGGGGCTGGGCGCC[C>A]CCGAGCCGCCCTGCTGCGCCGCGCCCGACGCCGCAGCCGCAGCCTTCCCGCCCTGCGCTG-3'
Protein context (NP_036318.1, residues 225-245): LQPELAGLGA[Pro235Thr]EPPCCAAPDA